The following is an entry in ClinVar:

ClinVar aggregate classification (germline): Likely benign. Review status: criteria provided, multiple submitters, no conflicts (2 of 4 stars). 2 submissions from 2 submitters: Likely benign (2). Last evaluated 2024-07-23.

Conditions:
DPAGT1-congenital disorder of glycosylation. Also called: CONGENITAL DISORDER OF GLYCOSYLATION, TYPE Ij; CDG Ij; DPAGT1-CDG. Identifiers: Orphanet 86309, MedGen C2931004, MONDO:0011964, OMIM 608093.
Congenital myasthenic syndrome 13 (CMS13). Also called: Myasthenic syndrome, congenital, with tubular aggregates 2; Myasthenic syndrome, congenital, 13, with tubular aggregates. Identifiers: Orphanet 353327, Orphanet 590, MedGen C3553645, MONDO:0013883, OMIM 614750.

Allele frequency attached by ClinVar (database versions not stated): gnomAD exomes 0.00001.
gnomAD v4.1: 5 of 1,614,080 alleles (0.00031%); highest among the groups gnomAD compares: Non-Finnish European, 0.00042%; no homozygotes.

Submissions (2):

Labcorp Genetics (formerly Invitae), Labcorp
Classification: Likely benign for Congenital myasthenic syndrome 13; DPAGT1-congenital disorder of glycosylation. Last evaluated: 2024-07-23. Review status: criteria provided, single submitter. Criteria: Invitae Variant Classification Sherloc (09022015). Collection method: clinical testing. Allele origin: germline.

CeGaT Center for Human Genetics Tuebingen
Classification: Likely benign. Last evaluated: 2023-02-01. Review status: criteria provided, single submitter. Criteria: CeGaT Center For Human Genetics Tuebingen Variant Classification Criteria Version 2. Collection method: clinical testing. Allele origin: germline. Affected: yes. Observed: 1 variant allele.
Comment: DPAGT1: PM2:Supporting, BP4, BP7

NM_001382.4(DPAGT1):c.159G>A (p.Gln53=)

Genes: DPAGT1 (dolichyl-phosphate N-acetylglucosaminephosphotransferase 1; minus strand), LOC126861360 (BRD4-independent group 4 enhancer GRCh37_chr11:118972216-118973415; plus strand). Cytogenetic location: 11q23.3.
Variant type: single nucleotide variant.
Coding change: c.159G>A on transcript NM_001382.4 (MANE Select); coding-DNA position 159, G replaced by A.
Protein change: p.Gln53=; no amino-acid change (glutamine 53 retained).
Molecular consequence: synonymous variant.
Genome position (GRCh38, 1-based): chr11:119,101,497, C>T on the plus strand (G>A on the coding strand, the complement: DPAGT1 is on the minus strand). VCF-style: chr11-119101497-C-T. GRCh37 (hg19) VCF-style: chr11-118972207-C-T.
Identifiers: ClinVar variation 2642456 (VCV002642456.26), dbSNP rs1414244040, ClinGen allele CA477141669.